The following is an entry in ClinVar:

ClinVar aggregate classification (germline): Uncertain significance. Review status: criteria provided, multiple submitters, no conflicts (2 of 4 stars). 2 submissions from 2 submitters: Uncertain significance (2). Last evaluated 2024-10-24.

Conditions:
Inborn genetic diseases. Identifiers: MedGen C0950123, MeSH D030342.

Allele frequency attached by ClinVar (database versions not stated): gnomAD exomes 0.00002; gnomAD 0.00004; ExAC 0.00002; TOPMed 0.00006; ESP Exome Variant Server 0.00008.

Submissions (2):

Ambry Genetics
Classification: Uncertain significance for Inborn genetic diseases. Last evaluated: 2024-10-24. Review status: criteria provided, single submitter. Criteria: Ambry Variant Classification Scheme 2023. Collection method: clinical testing. Allele origin: germline.

Labcorp Genetics (formerly Invitae), Labcorp
Classification: Uncertain significance. Last evaluated: 2021-09-24. Review status: criteria provided, single submitter. Criteria: Invitae Variant Classification Sherloc (09022015). Collection method: clinical testing. Allele origin: germline.
Comment: This sequence change replaces alanine with proline at codon 316 of the TYRP1 protein (p.Ala316Pro). The alanine residue is highly conserved and there is a small physicochemical difference between alanine and proline. This variant is present in population databases (rs376501901, ExAC 0.02%). This variant has not been reported in the literature in individuals affected with TYRP1-related conditions. Algorithms developed to predict the effect of missense changes on protein structure and function are either unavailable or do not agree on the potential impact of this missense change (SIFT: "Tolerated"; PolyPhen-2: "Probably Damaging"; Align-GVGD: "Class C0"). In summary, the available evidence is currently insufficient to determine the role of this variant in disease. Therefore, it has been classified as a Variant of Uncertain Significance.

NM_000550.3(TYRP1):c.946G>C (p.Ala316Pro)

Genes: LURAP1L-AS1 (LURAP1L antisense RNA 1; minus strand), TYRP1 (tyrosinase related protein 1; plus strand). Cytogenetic location: 9p23.
Variant type: single nucleotide variant.
Coding change: c.946G>C on transcript NM_000550.3 (MANE Select); coding-DNA position 946, G replaced by C.
Protein change: p.Ala316Pro; replaces alanine 316 with proline.
Molecular consequence: missense variant.
Genome position (GRCh38, 1-based): chr9:12,702,303, G>C. VCF-style: chr9-12702303-G-C. GRCh37 (hg19) VCF-style: chr9-12702303-G-C.
Other names: c.946G>C (NM_000550.2); short protein forms A316P.
Identifiers: ClinVar variation 1480522 (VCV001480522.6), dbSNP rs376501901, ClinGen allele CA4985390.